The following is an entry in ClinVar:

NM_032383.5(HPS3):c.1154del (p.Val385fs)

Gene: HPS3 (HPS3 biogenesis of lysosomal organelles complex 2 subunit 1; plus strand). Cytogenetic location: 3q24.
Variant type: Deletion.
Coding change: c.1154del on transcript NM_032383.5 (MANE Select); coding-DNA position 1154, one base deleted (T; older notation c.1154delT).
Protein change: p.Val385fs; shifts the reading frame from valine 385.
Molecular consequence: frameshift variant.
Genome position (GRCh38, 1-based): chr3:149,145,537, T deleted. VCF-style (leftmost placement, unchanged base first): chr3-149145536-GT-G. GRCh37 (hg19) VCF-style: chr3-148863323-GT-G.
Other names: c.659del, p.Val220fs (NM_001308258.2); short protein forms V220fs, V385fs.
Identifiers: ClinVar variation 3241754 (VCV003241754.2), dbSNP rs2473082189.

ClinVar aggregate classification (germline): Pathogenic/Likely pathogenic. Review status: criteria provided, multiple submitters, no conflicts (2 of 4 stars). 2 submissions from 2 submitters: Pathogenic (1); Likely pathogenic (1). Last evaluated 2023-12-02.

Conditions:
Hermansky-Pudlak syndrome 3 (HPS3). Identifiers: Orphanet 231512, Orphanet 79430, MedGen C3888001, MONDO:0013555, OMIM 614072.

Submissions (2):

Baylor Genetics
Classification: Likely pathogenic for Hermansky-Pudlak syndrome 3. Last evaluated: 2023-12-02. Review status: criteria provided, single submitter. Criteria: ACMG Guidelines, 2015. Collection method: clinical testing. Allele origin: unknown.

Myriad Genetics, Inc.
Classification: Pathogenic for Hermansky-Pudlak syndrome 3. Last evaluated: 2023-10-12. Review status: criteria provided, single submitter. Criteria: Myriad Autosomal Dominant, Autosomal Recessive and X-Linked Classification Criteria (2023). Collection method: clinical testing. Allele origin: unknown.
Comment: NM_032383.3(HPS3):c.1154delT(V385Afs*30) is expected to be pathogenic in the context of Hermansky-Pudlak syndrome, HPS3-related. This variant is predicted to lead to an abnormal or absent protein product due to the creation of a premature termination codon in HPS3, a gene where loss-of-function variants are known to be pathogenic. Please note: this variant was assessed in the context of healthy population screening.